The following is an entry in ClinVar:

ClinVar aggregate classification (germline): Uncertain significance (1 of 4 stars; one submission).

Conditions:
Cardiovascular phenotype. Identifiers: MedGen CN230736.

gnomAD v4.1: 3 of 1,551,876 alleles (0.00019%); highest among the groups gnomAD compares: Non-Finnish European, 0.00017%; no homozygotes.

Submission:

Ambry Genetics
Classification: Uncertain significance for Cardiovascular phenotype. Last evaluated: 2024-04-21. Review status: criteria provided, single submitter. Criteria: Ambry Variant Classification Scheme 2023. Collection method: clinical testing. Allele origin: germline.
Comment: The p.D234G variant (also known as c.701A>G), located in coding exon 5 of the LMF1 gene, results from an A to G substitution at nucleotide position 701. The aspartic acid at codon 234 is replaced by glycine, an amino acid with similar properties. This amino acid position is conserved. In addition, this alteration is predicted to be tolerated by in silico analysis. Based on the available evidence, the clinical significance of this variant remains unclear.

NM_022773.4(LMF1):c.701A>G (p.Asp234Gly)

Gene: LMF1 (lipase maturation factor 1; minus strand). Cytogenetic location: 16p13.3.
Variant type: single nucleotide variant.
Coding change: c.701A>G on transcript NM_022773.4 (MANE Select); coding-DNA position 701, A replaced by G.
Protein change: p.Asp234Gly; replaces aspartic acid 234 with glycine.
Molecular consequence: missense variant. On other transcripts: non-coding transcript variant (1).
Genome position (GRCh38, 1-based): chr16:893,035, T>C on the plus strand (A>G on the coding strand, the complement: LMF1 is on the minus strand). VCF-style: chr16-893035-T-C. GRCh37 (hg19) VCF-style: chr16-943035-T-C.
Other names: c.50A>G, p.Asp17Gly (NM_001352017.2, NM_001352021.2); c.302A>G, p.Asp101Gly (NM_001352018.2); c.374A>G, p.Asp125Gly (NM_001352019.2); c.701A>G, p.Asp234Gly (NM_001352020.1); short protein forms D17G, D234G, D125G, D101G.
Identifiers: ClinVar variation 3290926 (VCV003290926.1).
Genomic context (GRCh38, chr16:893,035, plus strand): 5'-TGCCCTGCCCTCACGCTGCACGGCACGCTCACCTCATAGTGGAAGTCCATGCAGGTGAGG[T>C]CTCGCCAGCACCGGTCCCCCCGGATCTTGATCAGGCCCTGCAAGGAAGAGAGCAGAGGGA-3'
Protein context (NP_073610.2, residues 224-244): IKIRGDRCWR[Asp234Gly]LTCMDFHYET